The following is an entry in ClinVar:

ClinVar aggregate classification (germline): Uncertain significance (1 of 4 stars; one submission).

Conditions:
Hereditary nonpolyposis colorectal neoplasms. Identifiers: MedGen C0009405, MeSH D003123.

Submission:

Labcorp Genetics (formerly Invitae), Labcorp
Classification: Uncertain significance for Hereditary nonpolyposis colorectal neoplasms. Last evaluated: 2022-01-17. Review status: criteria provided, single submitter. Criteria: Invitae Variant Classification Sherloc (09022015). Collection method: clinical testing. Allele origin: germline.
Comment: This variant has not been reported in the literature in individuals affected with PMS2-related conditions. This sequence change replaces threonine, which is neutral and polar, with serine, which is neutral and polar, at codon 689 of the PMS2 protein (p.Thr689Ser). The frequency data for this variant in the population databases (gnomAD) is considered unreliable due to the presence of homologous sequence, such as pseudogenes or paralogs, in the genome. Advanced modeling of protein sequence and biophysical properties (such as structural, functional, and spatial information, amino acid conservation, physicochemical variation, residue mobility, and thermodynamic stability) performed at Invitae indicates that this missense variant is not expected to disrupt PMS2 protein function. In summary, the available evidence is currently insufficient to determine the role of this variant in disease. Therefore, it has been classified as a Variant of Uncertain Significance.

NM_000535.7(PMS2):c.2065A>T (p.Thr689Ser)

Gene: PMS2 (PMS1 homolog 2, mismatch repair system component; minus strand). Cytogenetic location: 7p22.1.
Variant type: single nucleotide variant.
Coding change: c.2065A>T on transcript NM_000535.7 (MANE Select); coding-DNA position 2065, A replaced by T.
Protein change: p.Thr689Ser; replaces threonine 689 with serine.
Molecular consequence: missense variant. On other transcripts: non-coding transcript variant (1).
Genome position (GRCh38, 1-based): chr7:5,982,933, T>A on the plus strand (A>T on the coding strand, the complement: PMS2 is on the minus strand). VCF-style: chr7-5982933-T-A. GRCh37 (hg19) VCF-style: chr7-6022564-T-A.
Other names: c.1552A>T, p.Thr518Ser (NM_001406904.1, NM_001406905.1); c.1492A>T, p.Thr498Ser (NM_001406909.1, NM_001322013.2); c.1294A>T, p.Thr432Ser (NM_001406911.1); c.1504A>T, p.Thr502Ser (NM_001406906.1, NM_001406907.1, NM_001322010.2); c.862A>T, p.Thr288Ser (NM_001406912.1); c.1660A>T, p.Thr554Ser (NM_001018040.1, NM_001322003.2, NM_001322004.2 and 15 more transcripts); c.1909A>T, p.Thr637Ser (NM_001322006.2, NM_001406870.1); c.1747A>T, p.Thr583Ser (NM_001322007.2, NM_001322008.2, NM_001406883.1 and 1 more transcripts); and 13 more; short protein forms T534S, T623S, T378S, T498S, T531S, T577S, T586S, T633S.
Identifiers: ClinVar variation 2087209 (VCV002087209.4), dbSNP rs2535545603, ClinGen allele CA366738073.